The following is an entry in ClinVar:

ClinVar aggregate classification (germline): Uncertain significance (1 of 4 stars; one submission).

Conditions:
Dilated cardiomyopathy 1HH (CMD1HH). Identifiers: Orphanet 154, MedGen C3151293, MONDO:0013479, OMIM 613881.
Myofibrillar myopathy 6. Identifiers: Orphanet 199340, MedGen C2751831, MONDO:0013061, OMIM 612954.

Submission:

Labcorp Genetics (formerly Invitae), Labcorp
Classification: Uncertain significance for Dilated cardiomyopathy 1HH; Myofibrillar myopathy 6. Last evaluated: 2016-09-02. Review status: criteria provided, single submitter. Criteria: Invitae Variant Classification Sherloc (09022015). Collection method: clinical testing. Allele origin: germline.
Comment: This variant is a gross duplication of the genomic region encompassing exons 1-2 of the BAG3 gene. The 5' end of this event is unknown as it extends beyond the assayed region for this gene and therefore may encompass additional genes. The 3' boundary is likely confined to intron 2 of the BAG3 gene. This variant is not present in population databases (ExAC no frequency) and has not been reported in the literature in individuals with a BAG3-related disease. In summary, this is a novel sub-genic duplication that includes the first coding exon of the BAG3 gene. The impact of this duplication on protein function is not known at this time. Therefore, it has been classified as a Variant of Uncertain Significance.

NC_000010.10:g.(?_121410882)_(121429689_?)dup

Gene: BAG3 (BAG cochaperone 3; plus strand). Cytogenetic location: 10q26.11.
Variant type: Duplication.
Identifiers: ClinVar variation 417519 (VCV000417519.1).